The following is an entry in ClinVar:

NM_016628.5(WAC):c.1448C>T (p.Pro483Leu)

Gene: WAC (WW domain containing adaptor with coiled-coil; plus strand). Cytogenetic location: 10p12.1.
Variant type: single nucleotide variant.
Coding change: c.1448C>T on transcript NM_016628.5 (MANE Select); coding-DNA position 1448, C replaced by T.
Protein change: p.Pro483Leu; replaces proline 483 with leucine.
Molecular consequence: missense variant.
Genome position (GRCh38, 1-based): chr10:28,614,577, C>T. VCF-style: chr10-28614577-C-T. GRCh37 (hg19) VCF-style: chr10-28903506-C-T.
Other names: c.1313C>T, p.Pro438Leu (NM_100264.3); c.1139C>T, p.Pro380Leu (NM_100486.4); short protein forms P438L, P483L, P380L.
Identifiers: ClinVar variation 521980 (VCV000521980.5), dbSNP rs147282072, ClinGen allele CA5455067.
Genomic context (GRCh38, chr10:28,614,577, plus strand): 5'-GAGATGTGGATTAGATTTGGAGACCATCTCACCAGATTTTGACATTTCAGGTTAGTACTC[C>T]AGTAGTTAAGCAAGGACCAGTGTCACAGTCAGCCACACAGCAGCCTGTAACTGCTGACAA-3'
Protein context (NP_057712.2, residues 473-493): PVSSQPKVST[Pro483Leu]VVKQGPVSQS

ClinVar aggregate classification (germline): Uncertain significance. Review status: criteria provided, multiple submitters, no conflicts (2 of 4 stars). 2 submissions from 2 submitters: Uncertain significance (2). Last evaluated 2025-12-05.

Conditions:
WAC-related disorder. Also called: WAC-related condition.
Inborn genetic diseases. Identifiers: MedGen C0950123, MeSH D030342.

Allele frequency attached by ClinVar (database versions not stated): gnomAD exomes below 0.00001; TOPMed below 0.00001; ExAC 0.00001; gnomAD 0.00001; ESP Exome Variant Server 0.00008.

Submissions (2):

PreventionGenetics, part of Exact Sciences
Classification: Uncertain significance for WAC-related condition. Last evaluated: 2025-12-05. Review status: criteria provided, single submitter. Criteria: ACMG Guidelines, 2015. Collection method: clinical testing. Allele origin: germline.
Comment: The WAC c.1448C>T variant is predicted to result in the amino acid substitution p.Pro483Leu. To our knowledge, this variant has not been reported in the literature. This variant is reported in 0.0062% of alleles in individuals of African descent in gnomAD. At this time, the clinical significance of this variant is uncertain due to the absence of conclusive functional and genetic evidence.

Ambry Genetics
Classification: Uncertain significance for Inborn genetic diseases. Last evaluated: 2017-10-04. Review status: criteria provided, single submitter. Criteria: Ambry exome assertion method (8-5-2015). Collection method: clinical testing. Allele origin: germline. Affected: yes. Observed: 1 variant allele.

Literature cited by the submitters: PubMed 23033978 (cited by Ambry Genetics).